The following is an entry in ClinVar:

NM_001303052.2(MYT1L):c.1543_1561dup (p.Tyr521fs)

Gene: MYT1L (myelin transcription factor 1 like; minus strand). Cytogenetic location: 2p25.3.
Variant type: Duplication.
Coding change: c.1543_1561dup on transcript NM_001303052.2 (MANE Select); coding-DNA positions 1543 to 1561, 19 bases duplicated (GGCCACGTAACTGGGCTGT).
Protein change: p.Tyr521fs; shifts the reading frame from tyrosine 521.
Molecular consequence: frameshift variant.
Genome position (GRCh38, 1-based): chr2:1,917,262-1,917,280, ACAGCCCAGTTACGTGGCC duplicated on the plus strand (GGCCACGTAACTGGGCTGT on the coding strand, the reverse complement: MYT1L is on the minus strand). VCF-style (leftmost placement, unchanged base first): chr2-1917261-T-TACAGCCCAGTTACGTGGCC. GRCh37 (hg19) VCF-style: chr2-1921033-T-TACAGCCCAGTTACGTGGCC.
Other names: c.1543_1561dup, p.Tyr521fs (NM_001329844.2, NM_001329845.1, NM_001329851.3); c.1537_1555dup, p.Tyr519fs (NM_001329846.3, NM_001329847.2, NM_001329848.1 and 3 more transcripts); short protein forms Y519fs, Y521fs.
Identifiers: ClinVar variation 3383976 (VCV003383976.2).

ClinVar aggregate classification (germline): Pathogenic (1 of 4 stars; one submission).

Conditions:
Intellectual developmental disorder, autosomal dominant 39. Also called: Mental retardation, autosomal dominant 39; Intellectual disability, autosomal dominant 39. Identifiers: MedGen C4225296, MONDO:0014678, OMIM 616521.

Submission:

Molecular Genetics Laboratory, Motol Hospital
Classification: Pathogenic for Intellectual developmental disorder, autosomal dominant 39. Last evaluated: 2024-12-06. Review status: criteria provided, single submitter. Criteria: ACMG Guidelines, 2015. Collection method: clinical testing. Allele origin: de novo. Affected: yes. Observed: 1 variant allele.
Comment: The variant was confirmed to be of a de novo origin. Rare loss-of-function truncating variants affecting the MYT1L gene are documented as a molecular cause of autosomal dominant "intellectual developmental disorder-39" (MRD39, OMIM:616521) (PMID:32065501;26240977;34748075;28859103). To conclude, the variant is classified as pathogenic (ACMG PVS1, PS2, PM2).

Literature cited by the submitters: PubMed 32065501; PubMed 26240977; PubMed 34748075; PubMed 28859103.